The following is an entry in ClinVar:

NM_201384.3(PLEC):c.5018C>T (p.Ala1673Val)

Gene: PLEC (plectin; minus strand). Cytogenetic location: 8q24.3.
Variant type: single nucleotide variant.
Coding change: c.5018C>T on transcript NM_201384.3 (MANE Select); coding-DNA position 5018, C replaced by T.
Protein change: p.Ala1673Val; replaces alanine 1673 with valine.
Molecular consequence: missense variant.
Genome position (GRCh38, 1-based): chr8:143,924,911, G>A on the plus strand (C>T on the coding strand, the complement: PLEC is on the minus strand). VCF-style: chr8-143924911-G-A. GRCh37 (hg19) VCF-style: chr8-144999079-G-A.
Other names: c.5099C>T, p.Ala1700Val (NM_000445.5); c.4976C>T, p.Ala1659Val (NM_201378.4); c.4952C>T, p.Ala1651Val (NM_201379.3); c.5429C>T, p.Ala1810Val (NM_201380.4); c.4922C>T, p.Ala1641Val (NM_201381.3); c.5018C>T, p.Ala1673Val (NM_201382.4); c.5030C>T, p.Ala1677Val (NM_201383.3); short protein forms A1651V, A1673V, A1677V, A1641V, A1659V, A1700V, A1810V.
Identifiers: ClinVar variation 645144 (VCV000645144.6), dbSNP rs782140442, ClinGen allele CA4926461.

ClinVar aggregate classification (germline): Uncertain significance (1 of 4 stars; one submission).

Conditions:
Epidermolysis bullosa simplex, Ogna type (EBS5A). Also called: Pidermolysis bullosa simplex 5A, Ogna type; EPIDERMOLYSIS BULLOSA SIMPLEX 5A, OGNA TYPE. Identifiers: Orphanet 79401, MedGen C0432317, MONDO:0007555, OMIM 131950.
Autosomal recessive limb-girdle muscular dystrophy type 2Q (LGMDR17). Also called: MUSCULAR DYSTROPHY, LIMB-GIRDLE, AUTOSOMAL RECESSIVE 17. Identifiers: Orphanet 254361, MedGen C3150989, MONDO:0013390, OMIM 613723.
Epidermolysis bullosa simplex with nail dystrophy (EBS5D). Identifiers: MedGen C4225309, MONDO:0014661, OMIM 616487.
Epidermolysis bullosa simplex 5B, with muscular dystrophy (EBS5B). Also called: Epidermolysis bullosa simplex with muscular dystrophy; EPIDERMOLYSIS BULLOSA SIMPLEX AND LIMB-GIRDLE MUSCULAR DYSTROPHY. Identifiers: Orphanet 257, MedGen C2931072, MONDO:0009181, OMIM 226670.
Epidermolysis bullosa simplex 5C, with pyloric atresia (EBS5C). Also called: PLEC-Related Epidermolysis Bullosa with Pyloric Atresia; Epidermolysis bullosa simplex with pyloric atresia; PLEC1-Related Epidermolysis Bullosa with Pyloric Atresia. Identifiers: Orphanet 158684, MedGen C2677349, MONDO:0012807, OMIM 612138.

Allele frequency attached by ClinVar (database versions not stated): ExAC below 0.00001; gnomAD exomes below 0.00001; gnomAD 0.00001; TOPMed 0.00001.
gnomAD v4.1: 13 of 1,586,154 alleles (0.00082%); highest among the groups gnomAD compares: East Asian, 0.0023%; no homozygotes.

Submission:

Labcorp Genetics (formerly Invitae), Labcorp
Classification: Uncertain significance for Autosomal recessive limb-girdle muscular dystrophy type 2Q; Epidermolysis bullosa simplex, Ogna type; Epidermolysis bullosa simplex with nail dystrophy; Epidermolysis bullosa simplex 5C, with pyloric atresia; Epidermolysis bullosa simplex 5B, with muscular dystrophy. Last evaluated: 2024-10-18. Review status: criteria provided, single submitter. Criteria: Invitae Variant Classification Sherloc (09022015). Collection method: clinical testing. Allele origin: germline.
Comment: This sequence change replaces alanine, which is neutral and non-polar, with valine, which is neutral and non-polar, at codon 1700 of the PLEC protein (p.Ala1700Val). The frequency data for this variant in the population databases is considered unreliable, as metrics indicate poor data quality at this position in the gnomAD database. This variant has not been reported in the literature in individuals affected with PLEC-related conditions. ClinVar contains an entry for this variant (Variation ID: 645144). Experimental studies and prediction algorithms are not available or were not evaluated, and the functional significance of this variant is currently unknown. In summary, the available evidence is currently insufficient to determine the role of this variant in disease. Therefore, it has been classified as a Variant of Uncertain Significance.